The following is an entry in ClinVar:

ClinVar aggregate classification (germline): Likely benign (1 of 4 stars; one submission).

Conditions:
CNGB3-related disorder. Also called: CNGB3-related condition; CNGB3-related disorders. Identifiers: MedGen CN239340.

gnomAD v4.1: 5 of 151,916 alleles (0.0033%); highest among the groups gnomAD compares: Admixed American, 0.033%; no homozygotes.

Submission:

PreventionGenetics, part of Exact Sciences
Classification: Likely benign for CNGB3-related condition. Last evaluated: 2024-10-17. Review status: criteria provided, single submitter. Criteria: ACMG Guidelines, 2015. Collection method: clinical testing. Allele origin: germline.
Comment: This variant is classified as likely benign based on ACMG/AMP sequence variant interpretation guidelines (Richards et al. 2015 PMID: 25741868, with internal and published modifications).

NM_019098.5(CNGB3):c.1663-2146A>T

Gene: CNGB3 (cyclic nucleotide gated channel subunit beta 3; minus strand). Cytogenetic location: 8q21.3.
Variant type: single nucleotide variant.
Coding change: c.1663-2146A>T on transcript NM_019098.5 (MANE Select); 2146 bases into the intron before coding-DNA position 1663, A replaced by T.
Molecular consequence: intron variant.
Genome position (GRCh38, 1-based): chr8:86,606,357, T>A on the plus strand (A>T on the coding strand, the complement: CNGB3 is on the minus strand). VCF-style: chr8-86606357-T-A. GRCh37 (hg19) VCF-style: chr8-87618585-T-A.
Identifiers: ClinVar variation 4983386 (VCV004983386.1).